The following is an entry in ClinVar:

ClinVar aggregate classification (germline): Benign/Likely benign. Review status: criteria provided, multiple submitters, no conflicts (2 of 4 stars). 3 submissions from 2 submitters: Benign (2); Likely benign (1). Last evaluated 2018-12-17.

Conditions:
Bifunctional peroxisomal enzyme deficiency (DBIF). Also called: DBP DEFICIENCY; PBFE DEFICIENCY; D-bifunctional protein deficiency. Identifiers: Orphanet 300, MedGen C0342870, MONDO:0009855, OMIM 261515. Disease mechanism: loss of function.
Perrault syndrome 1 (PRLTS1). Also called: GONADAL DYSGENESIS, XX TYPE, WITH DEAFNESS; OVARIAN DYSGENESIS WITH SENSORINEURAL DEAFNESS. Identifiers: Orphanet 2855, Orphanet 642945, MedGen C4551721, MONDO:0009300, OMIM 233400.

Allele frequency attached by ClinVar (database versions not stated): ESP Exome Variant Server 0.00315; TOPMed 0.00350; 1000 Genomes Project 30x 0.00390; 1000 Genomes Project 0.00399.
gnomAD v4.1: 969 of 1,613,730 alleles (0.06%); highest among the groups gnomAD compares: African/African-American, 1.1%; 7 homozygotes.

Submissions (3):

GeneDx
Classification: Benign. Last evaluated: 2018-12-17. Review status: criteria provided, single submitter. Criteria: GeneDx Variant Classification Process June 2021. Collection method: clinical testing. Allele origin: germline. Affected: yes.

Illumina Laboratory Services, Illumina
Classification: Benign for Perrault syndrome 1. Last evaluated: 2018-01-13. Review status: criteria provided, single submitter. Criteria: ICSL Variant Classification Criteria 13 December 2019. Collection method: clinical testing. Allele origin: germline.
Comment: This variant was observed in the ICSL laboratory as part of a predisposition screen in an ostensibly healthy population. It had not been previously curated by ICSL or reported in the Human Gene Mutation Database (HGMD: prior to June 1st, 2018), and was therefore a candidate for classification through an automated scoring system. Utilizing variant allele frequency, disease prevalence and penetrance estimates, and inheritance mode, an automated score was calculated to assess if this variant is too frequent to cause the disease. Based on the score and internal cut-off values, a variant classified as benign is not then subjected to further curation. The score for this variant resulted in a classification of benign for this disease.

Illumina Laboratory Services, Illumina
Classification: Likely benign for Bifunctional peroxisomal enzyme deficiency. Last evaluated: 2018-01-13. Review status: criteria provided, single submitter. Criteria: ICSL Variant Classification Criteria 13 December 2019. Collection method: clinical testing. Allele origin: germline.
Comment: This variant was observed in the ICSL laboratory as part of a predisposition screen in an ostensibly healthy population. It had not been previously curated by ICSL or reported in the Human Gene Mutation Database (HGMD: prior to June 1st, 2018), and was therefore a candidate for classification through an automated scoring system. Utilizing variant allele frequency, disease prevalence and penetrance estimates, and inheritance mode, an automated score was calculated to assess if this variant is too frequent to cause the disease. Based on the score and internal cut-off values, a variant classified as likely benign is not then subjected to further curation. The score for this variant resulted in a classification of likely benign for this disease.

NM_000414.4(HSD17B4):c.-27G>C

Gene: HSD17B4 (hydroxysteroid 17-beta dehydrogenase 4; plus strand). Cytogenetic location: 5q23.1.
Variant type: single nucleotide variant.
Coding change: c.-27G>C on transcript NM_000414.4 (MANE Select); 27 bases upstream of the start codon, G replaced by C.
Molecular consequence: 5 prime UTR variant.
Genome position (GRCh38, 1-based): chr5:119,452,549, G>C. VCF-style: chr5-119452549-G-C. GRCh37 (hg19) VCF-style: chr5-118788244-G-C.
Other names: c.-205G>C (NM_001199291.3); c.-27G>C (NM_001199292.2); c.-164G>C (NM_001292027.2); c.-626G>C (NM_001292028.2).
Identifiers: ClinVar variation 350459 (VCV000350459.7), dbSNP rs34604765, ClinGen allele CA3381571.